The following is an entry in ClinVar:

ClinVar aggregate classification (germline): Uncertain significance (1 of 4 stars; one submission).

Conditions:
Hereditary cancer-predisposing syndrome. Also called: Hereditary Cancer Syndrome; Hereditary neoplastic syndrome; Neoplastic Syndromes, Hereditary; Tumor predisposition. Identifiers: Orphanet 140162, MedGen C0027672, MeSH D009386, MONDO:0015356.

Submission:

Ambry Genetics
Classification: Uncertain significance for Hereditary cancer-predisposing syndrome. Last evaluated: 2025-06-24. Review status: criteria provided, single submitter. Criteria: Ambry Variant Classification Scheme 2023. Collection method: clinical testing. Allele origin: germline.
Comment: The p.S3131A variant (also known as c.9391T>G), located in coding exon 24 of the BRCA2 gene, results from a T to G substitution at nucleotide position 9391. The serine at codon 3131 is replaced by alanine, an amino acid with similar properties. This amino acid position is conserved. In addition, the in silico prediction for this alteration is inconclusive. Based on the available evidence, the clinical significance of this variant remains unclear.

NM_000059.4(BRCA2):c.9391T>G (p.Ser3131Ala)

Gene: BRCA2 (BRCA2 DNA repair associated; plus strand). Cytogenetic location: 13q13.1.
Variant type: single nucleotide variant.
Coding change: c.9391T>G on transcript NM_000059.4 (MANE Select); coding-DNA position 9391, T replaced by G.
Protein change: p.Ser3131Ala; replaces serine 3131 with alanine.
Molecular consequence: missense variant. On other transcripts: non-coding transcript variant (1).
Genome position (GRCh38, 1-based): chr13:32,394,823, T>G. VCF-style: chr13-32394823-T-G. GRCh37 (hg19) VCF-style: chr13-32968960-T-G.
Other names: c.4459T>G, p.Ser1487Ala (NM_001406721.1); c.2974T>G, p.Ser992Ala (NM_001406722.1); c.9391T>G, p.Ser3131Ala (NM_001432077.1); c.9295T>G, p.Ser3099Ala (NM_001406719.1); c.9340T>G, p.Ser3114Ala (NM_001406720.1); short protein forms S3099A, S3114A, S3131A, S992A, S1487A.
Identifiers: ClinVar variation 4215771 (VCV004215771.1).